The following is an entry in ClinVar:

NM_212482.4(FN1):c.6121C>T (p.Arg2041Trp)

Gene: FN1 (fibronectin 1; minus strand). Cytogenetic location: 2q35.
Variant type: single nucleotide variant.
Coding change: c.6121C>T on transcript NM_212482.4 (MANE Select); coding-DNA position 6121, C replaced by T.
Protein change: p.Arg2041Trp; replaces arginine 2041 with tryptophan.
Molecular consequence: missense variant.
Genome position (GRCh38, 1-based): chr2:215,375,250, G>A on the plus strand (C>T on the coding strand, the complement: FN1 is on the minus strand). VCF-style: chr2-215375250-G-A. GRCh37 (hg19) VCF-style: chr2-216239973-G-A.
Other names: c.5848C>T, p.Arg1950Trp (NM_001365520.2, NM_001365524.2, NM_002026.4 and 2 more transcripts); c.5851C>T, p.Arg1951Trp (NM_001365521.2, NM_001365522.2, NM_001306130.2 and 2 more transcripts); c.5578C>T, p.Arg1860Trp (NM_001365523.2, NM_212474.3, NM_212476.3 and 2 more transcripts); c.6121C>T, p.Arg2041Trp (NM_001306129.2); short protein forms R1860W, R1951W, R2041W, R1950W.
Identifiers: ClinVar variation 1041916 (VCV001041916.9), dbSNP rs376754454, ClinGen allele CA2093945.

ClinVar aggregate classification (germline): Conflicting classifications of pathogenicity. Review status: criteria provided, conflicting classifications (1 of 4 stars). 2 submissions from 2 submitters: Uncertain significance (1); Likely benign (1). Last evaluated 2025-05-02.

Conditions:
Glomerulopathy with fibronectin deposits 2 (GFND2). Identifiers: Orphanet 84090, MedGen C1866075, MONDO:0011165, OMIM 601894.
Spondylometaphyseal dysplasia - Sutcliffe type. Also called: Sutcliffe type of spondylometaphyseal dysplasia; Sutcliffe SMD; Spondylometaphyseal dysplasia, 'corner fracture' type; Spondylometaphyseal Dysplasia, Corner Fracture Type. Identifiers: Orphanet 93315, MedGen C0432221, MONDO:0008479, OMIM 184255.

Allele frequency attached by ClinVar (database versions not stated): ExAC 0.00001; gnomAD exomes 0.00002 and 0.00005; gnomAD 0.00005; TOPMed 0.00006; ESP Exome Variant Server 0.00008.
gnomAD v4.1: 76 of 1,614,004 alleles (0.0047%); highest among the groups gnomAD compares: Admixed American, 0.0067%; no homozygotes.

Submissions (2):

Labcorp Genetics (formerly Invitae), Labcorp
Classification: Uncertain significance. Last evaluated: 2025-05-02. Review status: criteria provided, single submitter. Criteria: Invitae Variant Classification Sherloc (09022015). Collection method: clinical testing. Allele origin: germline.
Comment: This sequence change replaces arginine, which is basic and polar, with tryptophan, which is neutral and slightly polar, at codon 2041 of the FN1 protein (p.Arg2041Trp). This variant is present in population databases (rs376754454, gnomAD 0.005%). This variant has not been reported in the literature in individuals affected with FN1-related conditions. ClinVar contains an entry for this variant (Variation ID: 1041916). An algorithm developed to predict the effect of missense changes on protein structure and function (PolyPhen-2) suggests that this variant is likely to be disruptive. In summary, the available evidence is currently insufficient to determine the role of this variant in disease. Therefore, it has been classified as a Variant of Uncertain Significance.

Fulgent Genetics
Classification: Likely benign for Spondylometaphyseal dysplasia - Sutcliffe type; Glomerulopathy with fibronectin deposits 2. Last evaluated: 2024-06-11. Review status: criteria provided, single submitter. Criteria: ACMG Guidelines, 2015. Collection method: clinical testing. Allele origin: germline.